The following is an entry in ClinVar:

NM_019098.5(CNGB3):c.1193A>G (p.Tyr398Cys)

Gene: CNGB3 (cyclic nucleotide gated channel subunit beta 3; minus strand). Cytogenetic location: 8q21.3.
Variant type: single nucleotide variant.
Coding change: c.1193A>G on transcript NM_019098.5 (MANE Select); coding-DNA position 1193, A replaced by G.
Protein change: p.Tyr398Cys; replaces tyrosine 398 with cysteine.
Molecular consequence: missense variant.
Genome position (GRCh38, 1-based): chr8:86,632,879, T>C on the plus strand (A>G on the coding strand, the complement: CNGB3 is on the minus strand). VCF-style: chr8-86632879-T-C. GRCh37 (hg19) VCF-style: chr8-87645107-T-C.
Other names: short protein forms Y398C.
Identifiers: ClinVar variation 242507 (VCV000242507.7), dbSNP rs564759960, ClinGen allele CA351254.

ClinVar aggregate classification (germline): Uncertain significance. Review status: criteria provided, multiple submitters, no conflicts (2 of 4 stars). 3 submissions from 3 submitters: Uncertain significance (2). 1 of the submissions does not count toward it. Last evaluated 2024-10-28.

Conditions:
Achromatopsia. Also called: Rod monochromatism. Identifiers: Orphanet 49382, MedGen C0152200, MONDO:0018852, HP:0011516.

Allele frequency attached by ClinVar (database versions not stated): gnomAD below 0.00001 and 0.00002; gnomAD exomes 0.00002 and 0.00005; ExAC 0.00007; 1000 Genomes Project 30x 0.00016; 1000 Genomes Project 0.00020.
gnomAD v4.1: 37 of 1,612,416 alleles (0.0023%); highest among the groups gnomAD compares: South Asian, 0.041%; no homozygotes.

Submissions (3):

Labcorp Genetics (formerly Invitae), Labcorp
Classification: Uncertain significance. Last evaluated: 2024-10-28. Review status: criteria provided, single submitter. Criteria: Invitae Variant Classification Sherloc (09022015). Collection method: clinical testing. Allele origin: germline.
Comment: This sequence change replaces tyrosine, which is neutral and polar, with cysteine, which is neutral and slightly polar, at codon 398 of the CNGB3 protein (p.Tyr398Cys). This variant is present in population databases (rs564759960, gnomAD 0.04%). This missense change has been observed in individual(s) with retinitis pigmentosa (PMID: 25326637). ClinVar contains an entry for this variant (Variation ID: 242507). Invitae Evidence Modeling of protein sequence and biophysical properties (such as structural, functional, and spatial information, amino acid conservation, physicochemical variation, residue mobility, and thermodynamic stability) has been performed for this missense variant. However, the output from this modeling did not meet the statistical confidence thresholds required to predict the impact of this variant on CNGB3 protein function. In summary, the available evidence is currently insufficient to determine the role of this variant in disease. Therefore, it has been classified as a Variant of Uncertain Significance.

Blueprint Genetics
Classification: Uncertain significance. Last evaluated: 2023-06-12. Review status: criteria provided, single submitter. Criteria: ACMG Guidelines, 2015. Collection method: clinical testing. Allele origin: germline.

Natera, Inc.
Classification: Uncertain significance for Achromatopsia. Last evaluated: 2020-09-16. Review status: no assertion criteria provided. Collection method: clinical testing. Allele origin: germline. Not counted in ClinVar's aggregate classification.

Literature cited by the submitters: PubMed 25326637 (cited by Labcorp Genetics (formerly Invitae), Labcorp).